The following is an entry in ClinVar:

ClinVar aggregate classification (germline): Uncertain significance (1 of 4 stars; one submission).

Conditions:
Sulfite oxidase deficiency. Also called: Isolated sulfite oxidase deficiency. Identifiers: Orphanet 833, Orphanet 99731, MedGen C0268624, MONDO:0010089, OMIM 272300, HP:0003643.

Allele frequency attached by ClinVar (database versions not stated): TOPMed 0.00005; gnomAD 0.00006; gnomAD exomes 0.00006 and 0.00008; ExAC 0.00008; ESP Exome Variant Server 0.00008.

Submission:

Labcorp Genetics (formerly Invitae), Labcorp
Classification: Uncertain significance for Sulfite oxidase deficiency. Last evaluated: 2022-07-01. Review status: criteria provided, single submitter. Criteria: Invitae Variant Classification Sherloc (09022015). Collection method: clinical testing. Allele origin: germline.
Comment: This sequence change replaces glutamic acid, which is acidic and polar, with lysine, which is basic and polar, at codon 442 of the SUOX protein (p.Glu442Lys). This variant is present in population databases (rs375825712, gnomAD 0.01%). This variant has not been reported in the literature in individuals affected with SUOX-related conditions. ClinVar contains an entry for this variant (Variation ID: 1399101). Algorithms developed to predict the effect of missense changes on protein structure and function (SIFT, PolyPhen-2, Align-GVGD) all suggest that this variant is likely to be tolerated. In summary, the available evidence is currently insufficient to determine the role of this variant in disease. Therefore, it has been classified as a Variant of Uncertain Significance.

NM_001032386.2(SUOX):c.1324G>A (p.Glu442Lys)

Gene: SUOX (sulfite oxidase; plus strand). Cytogenetic location: 12q13.2.
Variant type: single nucleotide variant.
Coding change: c.1324G>A on transcript NM_001032386.2 (MANE Select); coding-DNA position 1324, G replaced by A.
Protein change: p.Glu442Lys; replaces glutamic acid 442 with lysine.
Molecular consequence: missense variant.
Genome position (GRCh38, 1-based): chr12:56,004,713, G>A. VCF-style: chr12-56004713-G-A. GRCh37 (hg19) VCF-style: chr12-56398497-G-A.
Other names: c.1324G>A, p.Glu442Lys (NM_000456.3, NM_001032387.2); short protein forms E442K.
Identifiers: ClinVar variation 1399101 (VCV001399101.4), dbSNP rs375825712, ClinGen allele CA6621155.